The following is an entry in ClinVar:

NM_032833.5(PPP1R15B):c.788A>C (p.Asp263Ala)

Gene: PPP1R15B (protein phosphatase 1 regulatory subunit 15B; minus strand). Cytogenetic location: 1q32.1.
Variant type: single nucleotide variant.
Coding change: c.788A>C on transcript NM_032833.5 (MANE Select); coding-DNA position 788, A replaced by C.
Protein change: p.Asp263Ala; replaces aspartic acid 263 with alanine.
Molecular consequence: missense variant.
Genome position (GRCh38, 1-based): chr1:204,410,624, T>G on the plus strand (A>C on the coding strand, the complement: PPP1R15B is on the minus strand). VCF-style: chr1-204410624-T-G. GRCh37 (hg19) VCF-style: chr1-204379752-T-G.
Other names: c.788A>C (NM_032833.3); short protein forms D263A.
Identifiers: ClinVar variation 2061424 (VCV002061424.5), dbSNP rs146322981, ClinGen allele CA1346742.

ClinVar aggregate classification (germline): Uncertain significance. Review status: criteria provided, multiple submitters, no conflicts (2 of 4 stars). 2 submissions from 2 submitters: Uncertain significance (2). Last evaluated 2025-08-05.

Conditions:
Inborn genetic diseases. Identifiers: MedGen C0950123, MeSH D030342.

Allele frequency attached by ClinVar (database versions not stated): TOPMed 0.00021; gnomAD 0.00025; ExAC 0.00009; 1000 Genomes Project 0.00040; 1000 Genomes Project 30x 0.00047.
gnomAD v4.1: 62 of 1,613,978 alleles (0.0038%); highest among the groups gnomAD compares: African/African-American, 0.076%; no homozygotes.

Submissions (2):

Ambry Genetics
Classification: Uncertain significance for Inborn genetic diseases. Last evaluated: 2025-08-05. Review status: criteria provided, single submitter. Criteria: Ambry Variant Classification Scheme 2023. Collection method: clinical testing. Allele origin: germline.

Labcorp Genetics (formerly Invitae), Labcorp
Classification: Uncertain significance. Last evaluated: 2025-01-13. Review status: criteria provided, single submitter. Criteria: Invitae Variant Classification Sherloc (09022015). Collection method: clinical testing. Allele origin: germline.
Comment: This sequence change replaces aspartic acid, which is acidic and polar, with alanine, which is neutral and non-polar, at codon 263 of the PPP1R15B protein (p.Asp263Ala). This variant is present in population databases (rs146322981, gnomAD 0.07%), and has an allele count higher than expected for a pathogenic variant. This variant has not been reported in the literature in individuals affected with PPP1R15B-related conditions. ClinVar contains an entry for this variant (Variation ID: 2061424). Invitae Evidence Modeling of protein sequence and biophysical properties (such as structural, functional, and spatial information, amino acid conservation, physicochemical variation, residue mobility, and thermodynamic stability) indicates that this missense variant is not expected to disrupt PPP1R15B protein function with a negative predictive value of 80%. In summary, the available evidence is currently insufficient to determine the role of this variant in disease. Therefore, it has been classified as a Variant of Uncertain Significance.